The following is an entry in ClinVar:

NM_001369.3(DNAH5):c.6442C>T (p.Gln2148Ter)

Gene: DNAH5 (dynein axonemal heavy chain 5; minus strand). Cytogenetic location: 5p15.2.
Variant type: single nucleotide variant.
Coding change: c.6442C>T on transcript NM_001369.3 (MANE Select); coding-DNA position 6442, C replaced by T.
Protein change: p.Gln2148Ter; replaces glutamine 2148 with a stop codon.
Molecular consequence: nonsense.
Genome position (GRCh38, 1-based): chr5:13,829,512, G>A on the plus strand (C>T on the coding strand, the complement: DNAH5 is on the minus strand). VCF-style: chr5-13829512-G-A. GRCh37 (hg19) VCF-style: chr5-13829621-G-A.
Other names: short protein forms Q2148*.
Identifiers: ClinVar variation 1451397 (VCV001451397.12), dbSNP rs777303718, ClinGen allele CA3203408.

ClinVar aggregate classification (germline): Pathogenic. Review status: criteria provided, single submitter (1 of 4 stars). 2 submissions from 2 submitters: Pathogenic (1). 1 of the submissions does not count toward it. Last evaluated 2021-12-07.

Conditions:
Primary ciliary dyskinesia. Also called: Ciliary dyskinesia. Identifiers: Orphanet 244, MedGen C0008780, MONDO:0016575, HP:0012265.
Primary ciliary dyskinesia 3. Identifiers: Orphanet 244, MedGen C1837618, MONDO:0012085, OMIM 608644.

Allele frequency attached by ClinVar (database versions not stated): gnomAD exomes below 0.00001; ExAC 0.00001.

Submissions (2):

Labcorp Genetics (formerly Invitae), Labcorp
Classification: Pathogenic for Primary ciliary dyskinesia. Last evaluated: 2021-12-07. Review status: criteria provided, single submitter. Criteria: Invitae Variant Classification Sherloc (09022015). Collection method: clinical testing. Allele origin: germline.
Comment: This sequence change creates a premature translational stop signal (p.Gln2148*) in the DNAH5 gene. It is expected to result in an absent or disrupted protein product. Loss-of-function variants in DNAH5 are known to be pathogenic (PMID: 11788826, 16627867). This variant is present in population databases (rs777303718, gnomAD 0.006%). This variant has not been reported in the literature in individuals affected with DNAH5-related conditions. Algorithms developed to predict the effect of sequence changes on RNA splicing suggest that this variant may create or strengthen a splice site. For these reasons, this variant has been classified as Pathogenic.

Prenatal Genetic Diagnosis Laboratory, The Chinese University of Hong Kong
Classification: Likely pathogenic for Primary ciliary dyskinesia 3. Last evaluated: 2021-03-25. Review status: no assertion criteria provided. Collection method: clinical testing. Allele origin: germline. Affected: yes. Not counted in ClinVar's aggregate classification.
Comment: This variant of c.6442C>T(p.Q2148X) results in a premature termination codon in exon 38, where nonsense-mediated decay is predicted to occur. The mechanism of pathogenicity in DNAH5 mutations appears to be bi-allelic loss of function [PMID: 16627867] (PVS1). It is extremely rare reported in the gnomAD database (PM2). It is interpreted as likely pathogenic according to ACMG/AMP guidelines.

Literature cited by the submitters: PubMed 11788826 (cited by Labcorp Genetics (formerly Invitae), Labcorp); PubMed 16627867 (cited by Labcorp Genetics (formerly Invitae), Labcorp); DOI doi/10.1002/pd.6151 (cited by Prenatal Genetic Diagnosis Laboratory, The Chinese University of Hong Kong).